The following is an entry in ClinVar:

NM_001844.5(COL2A1):c.3404T>G (p.Phe1135Cys)

Gene: COL2A1 (collagen type II alpha 1 chain; minus strand). Cytogenetic location: 12q13.11.
Variant type: single nucleotide variant.
Coding change: c.3404T>G on transcript NM_001844.5 (MANE Select); coding-DNA position 3404, T replaced by G.
Protein change: p.Phe1135Cys; replaces phenylalanine 1135 with cysteine.
Molecular consequence: missense variant.
Genome position (GRCh38, 1-based): chr12:47,976,843, A>C on the plus strand (T>G on the coding strand, the complement: COL2A1 is on the minus strand). VCF-style: chr12-47976843-A-C. GRCh37 (hg19) VCF-style: chr12-48370626-A-C.
Other names: c.3197T>G, p.Phe1066Cys (NM_033150.3); short protein forms F1066C, F1135C.
Identifiers: ClinVar variation 1717657 (VCV001717657.5), dbSNP rs2540105671, ClinGen allele CA384538773.

ClinVar aggregate classification (germline): Uncertain significance (1 of 4 stars; one submission).

Submission:

Labcorp Genetics (formerly Invitae), Labcorp
Classification: Uncertain significance. Last evaluated: 2022-08-22. Review status: criteria provided, single submitter. Criteria: Invitae Variant Classification Sherloc (09022015). Collection method: clinical testing. Allele origin: germline.
Comment: In summary, the available evidence is currently insufficient to determine the role of this variant in disease. Therefore, it has been classified as a Variant of Uncertain Significance. Advanced modeling of protein sequence and biophysical properties (such as structural, functional, and spatial information, amino acid conservation, physicochemical variation, residue mobility, and thermodynamic stability) performed at Invitae indicates that this missense variant is expected to disrupt COL2A1 protein function. This variant has not been reported in the literature in individuals affected with COL2A1-related conditions. This variant is not present in population databases (gnomAD no frequency). This sequence change replaces phenylalanine, which is neutral and non-polar, with cysteine, which is neutral and slightly polar, at codon 1135 of the COL2A1 protein (p.Phe1135Cys).